The following is an entry in ClinVar:

NM_001318895.3(FHL2):c.430A>G (p.Lys144Glu)

Genes: C2orf49 (chromosome 2 open reading frame 49; plus strand), FHL2 (four and a half LIM domains 2; minus strand). Cytogenetic location: 2q12.2.
Variant type: single nucleotide variant.
Coding change: c.430A>G on transcript NM_001318895.3 (MANE Select); coding-DNA position 430, A replaced by G.
Protein change: p.Lys144Glu; replaces lysine 144 with glutamic acid.
Molecular consequence: missense variant.
Genome position (GRCh38, 1-based): chr2:105,367,641, T>C on the plus strand (A>G on the coding strand, the complement: FHL2 is on the minus strand). VCF-style: chr2-105367641-T-C. GRCh37 (hg19) VCF-style: chr2-105984098-T-C.
Other names: c.430A>G, p.Lys144Glu (NM_001039492.3, NM_001318894.1, NM_001318896.2 and 4 more transcripts); c.88A>G, p.Lys30Glu (NM_001318897.2, NM_001318898.2); c.106A>G, p.Lys36Glu (NM_001318899.2); short protein forms K144E, K30E, K36E.
Identifiers: ClinVar variation 454294 (VCV000454294.9), dbSNP rs770284685, ClinGen allele CA1814738.

ClinVar aggregate classification (germline): Uncertain significance. Review status: criteria provided, multiple submitters, no conflicts (2 of 4 stars). 2 submissions from 2 submitters: Uncertain significance (2). Last evaluated 2025-07-02.

Conditions:
Primary dilated cardiomyopathy (DCM). Also called: Dilated Cardiomyopathy. Identifiers: Orphanet 217604, MedGen C0007193, MeSH D002311, MONDO:0005021, HP:0001644. Inheritance: Various modes of inheritance.

Allele frequency attached by ClinVar (database versions not stated): gnomAD exomes below 0.00001 and 0.00001; ExAC 0.00001; gnomAD 0.00004; TOPMed 0.00005.
gnomAD v4.1: 9 of 1,614,084 alleles (0.00056%); highest among the groups gnomAD compares: African/African-American, 0.012%; no homozygotes.

Submissions (2):

Labcorp Genetics (formerly Invitae), Labcorp
Classification: Uncertain significance for Primary dilated cardiomyopathy. Last evaluated: 2025-07-02. Review status: criteria provided, single submitter. Criteria: Invitae Variant Classification Sherloc (09022015). Collection method: clinical testing. Allele origin: germline.
Comment: This sequence change replaces lysine, which is basic and polar, with glutamic acid, which is acidic and polar, at codon 144 of the FHL2 protein (p.Lys144Glu). This variant is present in population databases (rs770284685, gnomAD 0.02%). This variant has not been reported in the literature in individuals affected with FHL2-related conditions. ClinVar contains an entry for this variant (Variation ID: 454294). Invitae Evidence Modeling of protein sequence and biophysical properties (such as structural, functional, and spatial information, amino acid conservation, physicochemical variation, residue mobility, and thermodynamic stability) indicates that this missense variant is not expected to disrupt FHL2 protein function with a negative predictive value of 80%. In summary, the available evidence is currently insufficient to determine the role of this variant in disease. Therefore, it has been classified as a Variant of Uncertain Significance.

Ambry Genetics
Classification: Uncertain significance. Last evaluated: 2025-06-22. Review status: criteria provided, single submitter. Criteria: Ambry Variant Classification Scheme 2023. Collection method: clinical testing. Allele origin: germline.